The following is an entry in ClinVar:

NM_153033.5(KCTD7):c.238A>G (p.Met80Val)

Gene: KCTD7 (potassium channel tetramerization domain containing 7; plus strand). Cytogenetic location: 7q11.21.
Variant type: single nucleotide variant.
Coding change: c.238A>G on transcript NM_153033.5 (MANE Select); coding-DNA position 238, A replaced by G.
Protein change: p.Met80Val; replaces methionine 80 with valine.
Molecular consequence: missense variant.
Genome position (GRCh38, 1-based): chr7:66,633,368, A>G. VCF-style: chr7-66633368-A-G. GRCh37 (hg19) VCF-style: chr7-66098355-A-G.
Other names: c.238A>G, p.Met80Val (NM_001167961.2); short protein forms M80V.
Identifiers: ClinVar variation 469101 (VCV000469101.9), dbSNP rs1554397798, ClinGen allele CA367695622.
Genomic context (GRCh38, chr7:66,633,368, plus strand): 5'-GCTCACTTCACTACACGCCTGTCCACACTGCGGTGCTACGAAGACACCATGTTGGCAGCC[A>G]TGTTCAGTGGGCGGCACTACATCCCCACGGACTCCGAGGGCCGGTACTTCATCGACCGAG-3'
Protein context (NP_694578.1, residues 70-90): RCYEDTMLAA[Met80Val]FSGRHYIPTD

ClinVar aggregate classification (germline): Uncertain significance (1 of 4 stars; one submission).

Conditions:
Progressive myoclonic epilepsy type 3. Also called: EPILEPSY, PROGRESSIVE MYOCLONIC, 3, WITH OR WITHOUT INTRACELLULAR INCLUSIONS; CEROID LIPOFUSCINOSIS, NEURONAL, 14; KCTD7-Related Progressive Myoclonic Epilepsy; EPILEPSY, PROGRESSIVE MYOCLONIC, 3, WITHOUT INTRACELLULAR INCLUSIONS. Identifiers: Orphanet 263516, MedGen C2673257, MONDO:0012721, OMIM 611726.

Submission:

Labcorp Genetics (formerly Invitae), Labcorp
Classification: Uncertain significance for Progressive myoclonic epilepsy type 3. Last evaluated: 2016-06-24. Review status: criteria provided, single submitter. Criteria: Invitae Variant Classification Sherloc (09022015). Collection method: clinical testing. Allele origin: germline.
Comment: This sequence change replaces methionine with valine at codon 80 of the KCTD7 protein (p.Met80Val). The methionine residue is highly conserved and there is a small physicochemical difference between methionine and valine. In summary, this variant is a novel missense change with uncertain impact on protein function. It has been classified as a Variant of Uncertain Significance. Algorithms developed to predict the effect of missense changes on protein structure and function do not agree on the potential impact of this missense change (SIFT: "Deleterious"; PolyPhen-2: "Probably Damaging"; Align-GVGD: "Class C15"). This variant is not present in population databases (ExAC no frequency) and has not been reported in the literature in individuals with a KCTD7-related disease.